The following is an entry in ClinVar:

ClinVar aggregate classification (germline): Pathogenic (1 of 4 stars; one submission).

Allele frequency attached by ClinVar (database versions not stated): gnomAD exomes below 0.00001.
gnomAD v4.1: 3 of 1,610,628 alleles (0.00019%); highest among the groups gnomAD compares: Non-Finnish European, 0.00017%; no homozygotes.

Submission:

Labcorp Genetics (formerly Invitae), Labcorp
Classification: Pathogenic. Last evaluated: 2022-09-27. Review status: criteria provided, single submitter. Criteria: Invitae Variant Classification Sherloc (09022015). Collection method: clinical testing. Allele origin: germline.
Comment: This sequence change affects a donor splice site in intron 7 of the PDE6A gene. It is expected to disrupt RNA splicing. Variants that disrupt the donor or acceptor splice site typically lead to a loss of protein function (PMID: 16199547), and loss-of-function variants in PDE6A are known to be pathogenic (PMID: 7493036, 22128245, 23847139). This variant is not present in population databases (gnomAD no frequency). Disruption of this splice site has been observed in individual(s) with cone rod dystrophy (PMID: 30998820). In at least one individual the data is consistent with being in trans (on the opposite chromosome) from a pathogenic variant. Algorithms developed to predict the effect of sequence changes on RNA splicing suggest that this variant may disrupt the consensus splice site. For these reasons, this variant has been classified as Pathogenic.

Literature cited by the submitters: PubMed 16199547; PubMed 7493036; PubMed 22128245; PubMed 23847139; PubMed 30998820.

NM_000440.3(PDE6A):c.1065+1G>T

Gene: PDE6A (phosphodiesterase 6A; minus strand). Cytogenetic location: 5q32.
Variant type: single nucleotide variant.
Coding change: c.1065+1G>T on transcript NM_000440.3 (MANE Select); the canonical splice donor site of the intron after coding-DNA position 1065, G replaced by T.
Molecular consequence: splice donor variant.
Genome position (GRCh38, 1-based): chr5:149,907,311, C>A on the plus strand (G>T on the coding strand, the complement: PDE6A is on the minus strand). VCF-style: chr5-149907311-C-A. GRCh37 (hg19) VCF-style: chr5-149286874-C-A.
Other names: c.822+1G>T (NM_001410788.1).
Identifiers: ClinVar variation 2418937 (VCV002418937.7), dbSNP rs2480610077, ClinGen allele CA361698743.
Genomic context (GRCh38, chr5:149,907,311, plus strand): 5'-TCCTTCCACTCTTTCTTCCACGTGATCCAAAACTCTCCCCCTTCAAAGTTATATTACTTA[C>A]CAGGCCATTCTGGGCAACATAAGCTGGGAGACCGCTTACTAAAGCCCAATGGTCAGGAGG-3'